The following is an entry in ClinVar:

NM_000383.4(AIRE):c.681C>T (p.Gly227=)

Gene: AIRE (autoimmune regulator; plus strand). Cytogenetic location: 21q22.3.
Variant type: single nucleotide variant.
Coding change: c.681C>T on transcript NM_000383.4 (MANE Select); coding-DNA position 681, C replaced by T.
Protein change: p.Gly227=; no amino-acid change (glycine 227 retained).
Molecular consequence: synonymous variant.
Genome position (GRCh38, 1-based): chr21:44,289,685, C>T. VCF-style: chr21-44289685-C-T. GRCh37 (hg19) VCF-style: chr21-45709568-C-T.
Other names: p.Gly227=; c.681C>T (LRG_18t1).
Identifiers: ClinVar variation 128339 (VCV000128339.34), dbSNP rs1055311, ClinGen allele CA151735.

ClinVar aggregate classification (germline): Benign. Review status: criteria provided, multiple submitters, no conflicts (2 of 4 stars). 13 submissions from 13 submitters: Benign (8). 5 of the submissions do not count toward it. Last evaluated 2026-02-04.

Conditions:
Polyglandular autoimmune syndrome, type 1 (APS1). Also called: Autoimmune polyendocrinopathy syndrome, type I; Autoimmune polyendocrine syndrome type 1; Autoimmune polyendocrinopathy syndrome , type I, with or without reversible metaphyseal dysplasia; AUTOIMMUNE POLYENDOCRINE SYNDROME, TYPE I, WITH OR WITHOUT REVERSIBLE METAPHYSEAL DYSPLASIA; HYPOADRENOCORTICISM WITH HYPOPARATHYROIDISM AND SUPERFICIAL MONILIASIS; PGA I. Identifiers: Orphanet 3453, MedGen C0085859, MONDO:0009411, OMIM 240300.

Allele frequency attached by ClinVar (database versions not stated): 1000 Genomes Project 0.11761; 1000 Genomes Project 30x 0.11977; TOPMed 0.18646; ESP Exome Variant Server 0.20209; gnomAD 0.21613.
gnomAD v4.1: 415,010 of 1,612,616 alleles (26%); highest among the groups gnomAD compares: Non-Finnish European, 29%; 57,971 homozygotes.

Submissions (14):

Labcorp Genetics (formerly Invitae), Labcorp
Classification: Benign for Polyglandular autoimmune syndrome, type 1. Last evaluated: 2026-02-04. Review status: criteria provided, single submitter. Criteria: Invitae Variant Classification Sherloc (09022015). Collection method: clinical testing. Allele origin: germline.

Blueprint Genetics
Classification: Benign. Last evaluated: 2024-11-28. Review status: criteria provided, single submitter. Criteria: ACMG Guidelines, 2015. Collection method: clinical testing. Allele origin: germline.

Unidad de Genómica Garrahan, Hospital de Pediatría Garrahan
Classification: Benign. Last evaluated: 2023-11-12. Review status: criteria provided, single submitter. Criteria: ACMG Guidelines, 2015. Collection method: clinical testing. Allele origin: germline. Affected: no. Observed: 48 variant alleles.
Comment: This variant is classified as Benign based on local population frequency. This variant was detected in 50% of patients studied by a panel of primary immunodeficiencies. Number of patients: 48. Only high quality variants are reported.

Mayo Clinic Laboratories, Mayo Clinic
Classification: Benign. Last evaluated: 2022-09-06. Review status: criteria provided, single submitter. Criteria: ACMG Guidelines, 2015. Collection method: clinical testing. Allele origin: germline. Observed: 273 variant alleles.

Genome-Nilou Lab
Classification: Benign for Polyglandular autoimmune syndrome, type 1. Last evaluated: 2021-07-10. Review status: criteria provided, single submitter. Criteria: ACMG Guidelines, 2015. Collection method: clinical testing. Allele origin: germline. Affected: no.

GeneDx
Classification: Benign. Last evaluated: 2015-03-03. Review status: criteria provided, single submitter. Criteria: GeneDx Variant Classification Process June 2021. Collection method: clinical testing. Allele origin: germline. Affected: yes.

Breakthrough Genomics
Classification: Benign. Review status: criteria provided, single submitter. Criteria: ACMG Guidelines, 2015. Collection method: not provided. Allele origin: germline. Inheritance: Autosomal recessive inheritance. Affected: yes.

PreventionGenetics, part of Exact Sciences
Classification: Benign. Review status: criteria provided, single submitter. Criteria: ACMG Guidelines, 2015. Collection method: clinical testing. Allele origin: germline.

Natera, Inc.
Classification: Benign for Polyglandular autoimmune syndrome type 1. Last evaluated: 2019-11-20. Review status: no assertion criteria provided. Collection method: clinical testing. Allele origin: germline. Not counted in ClinVar's aggregate classification.

Diagnostic Laboratory, Department of Genetics, University Medical Center Groningen
Classification: Benign. Review status: no assertion criteria provided. Collection method: clinical testing. Allele origin: germline. Affected: yes. Study: VKGL Data-share Consensus. Not counted in ClinVar's aggregate classification.

Dr. Peter K. Rogan Lab, Western University
No classification provided (evidence only). Condition: Uterine carcinosarcoma. Review status: no classification provided. Collection method: in vitro. Allele origin: not applicable. Functional consequence: retained intron. Not counted in ClinVar's aggregate classification.

Genetic Services Laboratory, University of Chicago
Classification: Likely benign for AllHighlyPenetrant. Review status: no assertion criteria provided. Collection method: clinical testing. Allele origin: germline. Inheritance: Autosomal recessive inheritance. Not counted in ClinVar's aggregate classification.
Comment: Likely benign based on allele frequency in 1000 Genomes Project or ESP global frequency and its presence in a patient with a rare or unrelated disease phenotype. NOT Sanger confirmed.

Genome Diagnostics Laboratory, University Medical Center Utrecht
Classification: Benign. Review status: no assertion criteria provided. Collection method: clinical testing. Allele origin: germline. Affected: yes. Study: VKGL Data-share Consensus. Not counted in ClinVar's aggregate classification.

Joint Genome Diagnostic Labs from Nijmegen and Maastricht, Radboudumc and MUMC+
Classification: Benign. Review status: no assertion criteria provided. Collection method: clinical testing. Allele origin: germline. Affected: yes. Study: VKGL Data-share Consensus. Not counted in ClinVar's aggregate classification.